The following is an entry in ClinVar:

NM_004525.3(LRP2):c.5776C>G (p.Leu1926Val)

Gene: LRP2 (LDL receptor related protein 2; minus strand). Cytogenetic location: 2q31.1.
Variant type: single nucleotide variant.
Coding change: c.5776C>G on transcript NM_004525.3 (MANE Select); coding-DNA position 5776, C replaced by G.
Protein change: p.Leu1926Val; replaces leucine 1926 with valine.
Molecular consequence: missense variant.
Genome position (GRCh38, 1-based): chr2:169,216,303, G>C on the plus strand (C>G on the coding strand, the complement: LRP2 is on the minus strand). VCF-style: chr2-169216303-G-C. GRCh37 (hg19) VCF-style: chr2-170072813-G-C.
Other names: short protein forms L1926V.
Identifiers: ClinVar variation 1953809 (VCV001953809.5), dbSNP rs1051045057, ClinGen allele CA349135540.
Genomic context (GRCh38, chr2:169,216,303, plus strand): 5'-GTGCTCATACCACTCCTCTTCCAGTGACTGCCCAGTAGAGTTTCTGCTCTTCGATGTCAA[G>C]AGTGACACACTCCAGGTGTTCGAGGTTCCCAGTAAAGAGAGTTTTCACAGATGTGCCATC-3'
Protein context (NP_004516.2, residues 1916-1936): GNLEHLECVT[Leu1926Val]DIEEQKLYWA

ClinVar aggregate classification (germline): Uncertain significance (1 of 4 stars; one submission).

Allele frequency attached by ClinVar (database versions not stated): gnomAD exomes below 0.00001.
gnomAD v4.1: 3 of 1,613,616 alleles (0.00019%); highest among the groups gnomAD compares: East Asian, 0.0022%; no homozygotes.

Submission:

Labcorp Genetics (formerly Invitae), Labcorp
Classification: Uncertain significance. Last evaluated: 2022-10-13. Review status: criteria provided, single submitter. Criteria: Invitae Variant Classification Sherloc (09022015). Collection method: clinical testing. Allele origin: germline.
Comment: This sequence change replaces leucine, which is neutral and non-polar, with valine, which is neutral and non-polar, at codon 1926 of the LRP2 protein (p.Leu1926Val). This variant is present in population databases (no rsID available, gnomAD 0.006%). This variant has not been reported in the literature in individuals affected with LRP2-related conditions. Advanced modeling of protein sequence and biophysical properties (such as structural, functional, and spatial information, amino acid conservation, physicochemical variation, residue mobility, and thermodynamic stability) performed at Invitae indicates that this missense variant is not expected to disrupt LRP2 protein function. In summary, the available evidence is currently insufficient to determine the role of this variant in disease. Therefore, it has been classified as a Variant of Uncertain Significance.